The following is an entry in ClinVar:

ClinVar aggregate classification (germline): Likely benign. Review status: criteria provided, multiple submitters, no conflicts (2 of 4 stars). 2 submissions from 2 submitters: Likely benign (2). Last evaluated 2024-04-30.

Conditions:
Hereditary cancer-predisposing syndrome. Also called: Neoplastic Syndromes, Hereditary; Hereditary Cancer Syndrome; Hereditary neoplastic syndrome; Tumor predisposition. Identifiers: Orphanet 140162, MedGen C0027672, MeSH D009386, MONDO:0015356.
Hereditary breast ovarian cancer syndrome. Also called: Hereditary breast and ovarian cancer syndrome (HBOC); Hereditary breast and ovarian cancer syndrome; Breast and ovarian cancer; Hereditary breast and/or ovarian cancer syndrome; Hereditary breast and ovarian cancer; BRCA1- and BRCA2-Associated Hereditary Breast and Ovarian Cancer. Identifiers: Orphanet 145, MedGen C0677776, MeSH D061325, MONDO:0003582. Disease mechanism: loss of function.

Submissions (2):

Labcorp Genetics (formerly Invitae), Labcorp
Classification: Likely benign for Hereditary breast ovarian cancer syndrome. Last evaluated: 2024-04-30. Review status: criteria provided, single submitter. Criteria: Invitae Variant Classification Sherloc (09022015). Collection method: clinical testing. Allele origin: germline.

University of Washington Department of Laboratory Medicine, University of Washington
Classification: Likely benign for Hereditary cancer-predisposing syndrome. Last evaluated: 2023-03-23. Review status: criteria provided, single submitter. Criteria: Dines et al. (Genet Med. 2020). Collection method: curation. Allele origin: germline.
Comment: Missense variant in a coldspot region where missense variants are very unlikely to be pathogenic (PMID:31911673).

BRCA1 coldspot (exon 11 using historical exon numbering). Reclassification based on statistical prior probability

NM_007294.4(BRCA1):c.3667C>T (p.Leu1223Phe)

Genes: BRCA1 (BRCA1 DNA repair associated; minus strand), LOC126862571 (BRD4-independent group 4 enhancer GRCh37_chr17:41243136-41244335; plus strand). Cytogenetic location: 17q21.31.
Variant type: single nucleotide variant.
Coding change: c.3667C>T on transcript NM_007294.4 (MANE Select); coding-DNA position 3667, C replaced by T.
Protein change: p.Leu1223Phe; replaces leucine 1223 with phenylalanine.
Molecular consequence: missense variant. On other transcripts: intron variant (135).
Genome position (GRCh38, 1-based): chr17:43,091,864, G>A on the plus strand (C>T on the coding strand, the complement: BRCA1 is on the minus strand). VCF-style: chr17-43091864-G-A. GRCh37 (hg19) VCF-style: chr17-41243881-G-A.
Other names: c.3454C>T, p.Leu1152Phe (NM_001407571.1, NM_001407853.1, NM_001407894.1 and 9 more transcripts); c.3667C>T, p.Leu1223Phe (NM_001407581.1, NM_001407582.1, NM_001407583.1 and 30 more transcripts); c.3664C>T, p.Leu1222Phe (NM_001407587.1, NM_001407590.1, NM_001407591.1 and 22 more transcripts); c.3658C>T, p.Leu1220Phe (NM_001407646.1, NM_001407647.1); c.3544C>T, p.Leu1182Phe (NM_001407648.1, NM_001407664.1, NM_001407665.1 and 19 more transcripts); c.3541C>T, p.Leu1181Phe (NM_001407649.1, NM_001407670.1, NM_001407671.1 and 11 more transcripts); c.3589C>T, p.Leu1197Phe (NM_001407653.1, NM_001407654.1, NM_001407655.1 and 4 more transcripts); c.3586C>T, p.Leu1196Phe (NM_001407659.1, NM_001407660.1, NM_001407661.1 and 1 more transcripts); and 41 more; short protein forms L1223F, L1176F, L1055F, L1111F, L1155F, L1175F, L1182F, L1196F.
Identifiers: ClinVar variation 462619 (VCV000462619.12), dbSNP rs1555587309, ClinGen allele CA10594634.